The following is an entry in ClinVar:

NM_177438.3(DICER1):c.1904A>G (p.Asn635Ser)

Gene: DICER1 (dicer 1, ribonuclease III; minus strand). Cytogenetic location: 14q32.13.
Variant type: single nucleotide variant.
Coding change: c.1904A>G on transcript NM_177438.3 (MANE Select); coding-DNA position 1904, A replaced by G.
Protein change: p.Asn635Ser; replaces asparagine 635 with serine.
Molecular consequence: missense variant.
Genome position (GRCh38, 1-based): chr14:95,115,670, T>C on the plus strand (A>G on the coding strand, the complement: DICER1 is on the minus strand). VCF-style: chr14-95115670-T-C. GRCh37 (hg19) VCF-style: chr14-95582007-T-C.
Other names: NM_177438.3(DICER1):c.1904A>G; p.Asn635Ser; c.1904A>G, p.Asn635Ser (NM_001195573.1, NM_001271282.3, NM_001291628.2 and 1 more transcripts); short protein forms N635S.
Identifiers: ClinVar variation 479636 (VCV000479636.16), dbSNP rs765551529, ClinGen allele CA7331374.

ClinVar aggregate classification (germline): Uncertain significance. Review status: reviewed by expert panel (3 of 4 stars). 4 submissions from 4 submitters: Uncertain significance (1). 3 of the submissions do not count toward it. Last evaluated 2025-01-07.

Conditions:
DICER1-related tumor predisposition. Also called: DICER1-related pleuropulmonary blastoma cancer predisposition syndrome; DICER1 syndrome. Identifiers: Orphanet 284343, MedGen C3839822, MONDO:0100216.
Hereditary cancer-predisposing syndrome. Also called: Tumor predisposition; Neoplastic Syndromes, Hereditary; Hereditary Cancer Syndrome; Hereditary neoplastic syndrome. Identifiers: Orphanet 140162, MedGen C0027672, MeSH D009386, MONDO:0015356.

Allele frequency attached by ClinVar (database versions not stated): gnomAD exomes below 0.00001 and 0.00001; ExAC 0.00002.
gnomAD v4.1: 6 of 1,614,150 alleles (0.00037%); highest among the groups gnomAD compares: South Asian, 0.0011%; no homozygotes.

Submissions (4):

ClinGen DICER1 and miRNA-Processing Gene Variant Curation Expert Panel, ClinGen
Classification: Uncertain significance for DICER1-related tumor predisposition. Last evaluated: 2025-01-07. Review status: reviewed by expert panel. Criteria: ClinGen DICER1 ACMG Specifications DICER1 V1.3.0. Collection method: curation. Allele origin: germline. Inheritance: Autosomal dominant inheritance.
Comment: The NM_177438.2:c.1904A>G variant in DICER1 is a missense variant predicted to cause substitution of aspartic acid by serine at amino acid 635 (p.Asp635Ser). Although this variant has been observed in germline cases, to our knowledge, this variant has not been reported in individuals with DICER1-related tumor predisposition (PS4 not met; PMIDs: 33718253, Internal lab contributors). The highest population minor allele frequency in gnomAD v4.1.0 (non-cancer) is 0.00001 (1/91082 alleles) in South Asian population (PM2_Supporting, BS1, and BA1 are not met). While in silico tools do not predict damaging impact of the variant on protein function (REVEL: 0.398), the splice site predictors MaxEntScan and SpliceAI indicate that the variant impacts splicing, evidence that correlates with impact to DICER1 function (PP3). In summary, this variant meets the criteria to be classified as Uncertain Significance for DICER1-related tumor predisposition based on the ACMG/AMP criteria applied, as specified by the ClinGen DICER1 VCEP: PP3. (Bayesian Points: 1; VCEP specifications version 1.3.0; 01/07/2025)

Labcorp Genetics (formerly Invitae), Labcorp
Classification: Uncertain significance for DICER1-related tumor predisposition. Last evaluated: 2025-08-24. Review status: criteria provided, single submitter. Criteria: Invitae Variant Classification Sherloc (09022015). Collection method: clinical testing. Allele origin: germline. Not counted in ClinVar's aggregate classification.
Comment: This sequence change replaces asparagine, which is neutral and polar, with serine, which is neutral and polar, at codon 635 of the DICER1 protein (p.Asn635Ser). This variant is present in population databases (rs765551529, gnomAD 0.003%). This variant has not been reported in the literature in individuals affected with DICER1-related conditions. ClinVar contains an entry for this variant (Variation ID: 479636). Invitae Evidence Modeling of protein sequence and biophysical properties (such as structural, functional, and spatial information, amino acid conservation, physicochemical variation, residue mobility, and thermodynamic stability) has been performed for this missense variant. However, the output from this modeling did not meet the statistical confidence thresholds required to predict the impact of this variant on DICER1 protein function. RNA analysis performed to evaluate the impact of this missense change on mRNA splicing indicates it does not significantly alter splicing (internal data). In summary, the available evidence is currently insufficient to determine the role of this variant in disease. Therefore, it has been classified as a Variant of Uncertain Significance.

Hereditary Cancer Group, L’Institut d'Investigació Biomèdica de Bellvitge
Classification: Uncertain significance for Hereditary cancer-predisposing syndrome. Last evaluated: 2024-12-19. Review status: criteria provided, single submitter. Criteria: Hatton et al. (Hum Mutat. 2023). Collection method: clinical testing. Allele origin: germline. Inheritance: Autosomal dominant inheritance. Affected: yes. Not counted in ClinVar's aggregate classification.
Comment: PP3

Ambry Genetics
Classification: Uncertain significance for Hereditary cancer-predisposing syndrome. Last evaluated: 2023-12-21. Review status: criteria provided, single submitter. Criteria: Ambry Variant Classification Scheme 2023. Collection method: clinical testing. Allele origin: germline. Not counted in ClinVar's aggregate classification.
Comment: The p.N635S variant (also known as c.1904A>G), located in coding exon 10 of the DICER1 gene, results from an A to G substitution at nucleotide position 1904. The asparagine at codon 635 is replaced by serine, an amino acid with highly similar properties. This alteration has been reported in the germline of an individual with reported papillary thyroid cancer from The Cancer Genome Atlas (TCGA) research network (Canberk S et al. Eur Thyroid J 2021 Feb;9(6):296-303). This amino acid position is highly conserved in available vertebrate species. In addition, this alteration is predicted to be tolerated by in silico analysis. Since supporting evidence is limited at this time, the clinical significance of this alteration remains unclear.